The following is an entry in ClinVar:

ClinVar aggregate classification (germline): Uncertain significance. Review status: criteria provided, multiple submitters, no conflicts (2 of 4 stars). 6 submissions from 6 submitters: Uncertain significance (6). Last evaluated 2025-04-10.

Conditions:
Donnai-Barrow syndrome. Also called: DBS/FOAR SYNDROME; FACIOOCULOACOUSTICORENAL SYNDROME. Identifiers: Orphanet 2143, MedGen C1857277, MONDO:0009104, OMIM 222448.
Inborn genetic diseases. Identifiers: MedGen C0950123, MeSH D030342.

Allele frequency attached by ClinVar (database versions not stated): gnomAD 0.00006 and 0.00007; gnomAD exomes 0.00006 and 0.00008; TOPMed 0.00007; ExAC 0.00008; 1000 Genomes Project 30x 0.00016; 1000 Genomes Project 0.00020; ESP Exome Variant Server 0.00023.
gnomAD v4.1: 126 of 1,613,990 alleles (0.0078%); highest among the groups gnomAD compares: Middle Eastern, 0.016%; no homozygotes.

Submissions (6):

GeneDx
Classification: Uncertain significance. Last evaluated: 2025-04-10. Review status: criteria provided, single submitter. Criteria: GeneDx Variant Classification Process June 2021. Collection method: clinical testing. Allele origin: germline.
Comment: Reported as a de novo variant in an individual from a large cohort study of individuals with autism in published literature; however, a second variant in the LRP2 gene was not reported (PMID: 35982159); In silico analysis supports that this missense variant has a deleterious effect on protein structure/function; This variant is associated with the following publications: (PMID: 35982159)

Blueprint Genetics
Classification: Uncertain significance. Last evaluated: 2024-03-21. Review status: criteria provided, single submitter. Criteria: ACMG Guidelines, 2015. Collection method: clinical testing. Allele origin: germline.

Labcorp Genetics (formerly Invitae), Labcorp
Classification: Uncertain significance. Last evaluated: 2022-05-16. Review status: criteria provided, single submitter. Criteria: Invitae Variant Classification Sherloc (09022015). Collection method: clinical testing. Allele origin: germline.
Comment: This sequence change replaces arginine, which is basic and polar, with tryptophan, which is neutral and slightly polar, at codon 1412 of the LRP2 protein (p.Arg1412Trp). This variant is present in population databases (rs145669628, gnomAD 0.01%). This variant has not been reported in the literature in individuals affected with LRP2-related conditions. Advanced modeling of protein sequence and biophysical properties (such as structural, functional, and spatial information, amino acid conservation, physicochemical variation, residue mobility, and thermodynamic stability) performed at Invitae indicates that this missense variant is expected to disrupt LRP2 protein function. In summary, the available evidence is currently insufficient to determine the role of this variant in disease. Therefore, it has been classified as a Variant of Uncertain Significance.

Fulgent Genetics
Classification: Uncertain significance for Donnai-Barrow syndrome. Last evaluated: 2021-12-16. Review status: criteria provided, single submitter. Criteria: ACMG Guidelines, 2015. Collection method: clinical testing. Allele origin: unknown.

Ambry Genetics
Classification: Uncertain significance for Inborn genetic diseases. Last evaluated: 2021-08-12. Review status: criteria provided, single submitter. Criteria: Ambry Variant Classification Scheme 2023. Collection method: clinical testing. Allele origin: germline.

Kariminejad - Najmabadi Pathology & Genetics Center
Classification: Uncertain significance for Donnai-Barrow syndrome. Review status: criteria provided, single submitter. Criteria: ACMG Guidelines, 2015. Collection method: clinical testing. Allele origin: germline. Affected: no.

NM_004525.3(LRP2):c.4234C>T (p.Arg1412Trp)

Gene: LRP2 (LDL receptor related protein 2; minus strand). Cytogenetic location: 2q31.1.
Variant type: single nucleotide variant.
Coding change: c.4234C>T on transcript NM_004525.3 (MANE Select); coding-DNA position 4234, C replaced by T.
Protein change: p.Arg1412Trp; replaces arginine 1412 with tryptophan.
Molecular consequence: missense variant.
Genome position (GRCh38, 1-based): chr2:169,239,587, G>A on the plus strand (C>T on the coding strand, the complement: LRP2 is on the minus strand). VCF-style: chr2-169239587-G-A. GRCh37 (hg19) VCF-style: chr2-170096097-G-A.
Other names: c.4234C>T (NM_004525.2); short protein forms R1412W.
Identifiers: ClinVar variation 1366634 (VCV001366634.8), dbSNP rs145669628, ClinGen allele CA1954865.